The following is an entry in ClinVar:

NM_001972.4(ELANE):c.184C>T (p.Pro62Ser)

Gene: ELANE (elastase, neutrophil expressed; plus strand). Cytogenetic location: 19p13.3.
Variant type: single nucleotide variant.
Coding change: c.184C>T on transcript NM_001972.4 (MANE Select); coding-DNA position 184, C replaced by T.
Protein change: p.Pro62Ser; replaces proline 62 with serine.
Molecular consequence: missense variant.
Genome position (GRCh38, 1-based): chr19:852,992, C>T. VCF-style: chr19-852992-C-T. GRCh37 (hg19) VCF-style: chr19-852992-C-T.
Other names: short protein forms P62S.
Identifiers: ClinVar variation 2170115 (VCV002170115.4), dbSNP rs1426835979, ClinGen allele CA402914773.

ClinVar aggregate classification (germline): Uncertain significance (1 of 4 stars; one submission).

Conditions:
Cyclical neutropenia. Also called: Cyclic hematopoiesis; Cyclic Neutropenia. Identifiers: Orphanet 2686, MedGen C0221023, MONDO:0008090, OMIM 162800, HP:0040289. Disease mechanism: loss of function.
Neutropenia, severe congenital, 1, autosomal dominant. Identifiers: MedGen C1859966, MONDO:0042490, OMIM 202700.

Allele frequency attached by ClinVar (database versions not stated): gnomAD exomes below 0.00001.
gnomAD v4.1: 2 of 1,580,174 alleles (0.00013%); no homozygotes.

Submission:

Labcorp Genetics (formerly Invitae), Labcorp
Classification: Uncertain significance for Neutropenia, severe congenital, 1, autosomal dominant; Cyclical neutropenia. Last evaluated: 2024-12-09. Review status: criteria provided, single submitter. Criteria: Invitae Variant Classification Sherloc (09022015). Collection method: clinical testing. Allele origin: germline.
Comment: This sequence change replaces proline, which is neutral and non-polar, with serine, which is neutral and polar, at codon 62 of the ELANE protein (p.Pro62Ser). The frequency data for this variant in the population databases is considered unreliable, as metrics indicate poor data quality at this position in the gnomAD database. This variant has not been reported in the literature in individuals affected with ELANE-related conditions. ClinVar contains an entry for this variant (Variation ID: 2170115). Invitae Evidence Modeling of protein sequence and biophysical properties (such as structural, functional, and spatial information, amino acid conservation, physicochemical variation, residue mobility, and thermodynamic stability) has been performed for this missense variant. However, the output from this modeling did not meet the statistical confidence thresholds required to predict the impact of this variant on ELANE protein function. In summary, the available evidence is currently insufficient to determine the role of this variant in disease. Therefore, it has been classified as a Variant of Uncertain Significance.